The following is an entry in ClinVar:

ClinVar aggregate classification (germline): Uncertain significance (1 of 4 stars; one submission).

Submission:

GeneDx
Classification: Uncertain significance. Last evaluated: 2017-09-25. Review status: criteria provided, single submitter. Criteria: GeneDx Variant Classification (06012015). Collection method: clinical testing. Allele origin: germline. Affected: yes.
Comment: The F211L variant has not been published as a pathogenic variant, nor has it been reported as a benign variant to our knowledge. The F211L variant is not observed in large population cohorts (Lek et al., 2016). This variant is a conservative amino acid substitution, which is not likely to impact secondary protein structure as these residues share similar properties. However, this substitution occurs at a position that is conserved across species, and in silico analysis predicts this variant is probably damaging to the protein structure/function.

NM_001375380.1(EBF3):c.633C>A (p.Phe211Leu)

Gene: EBF3 (EBF transcription factor 3; minus strand). Cytogenetic location: 10q26.3.
Variant type: single nucleotide variant.
Coding change: c.633C>A on transcript NM_001375380.1 (MANE Select); coding-DNA position 633, C replaced by A.
Protein change: p.Phe211Leu; replaces phenylalanine 211 with leucine.
Molecular consequence: missense variant.
Genome position (GRCh38, 1-based): chr10:129,877,771, G>T on the plus strand (C>A on the coding strand, the complement: EBF3 is on the minus strand). VCF-style: chr10-129877771-G-T. GRCh37 (hg19) VCF-style: chr10-131676035-G-T.
Other names: c.633C>A, p.Phe211Leu (NM_001005463.3, NM_001375379.1, NM_001375389.1 and 3 more transcripts); short protein forms F211L.
Identifiers: ClinVar variation 452210 (VCV000452210.2), dbSNP rs1554904311, ClinGen allele CA378910225.
Genomic context (GRCh38, chr10:129,877,771, plus strand): 5'-TCAAATTTGGTATGAAAAGTCAGGACCACGGTCCACGTGTCTTTGAGAAATGTATACCTG[G>T]AATCTCCGCATATCTCGAGGGTTGCCTGCATTCTTCAAACAGTTCTGATTGCACTTGAGG-3'
Protein context (NP_001362309.1, residues 201-221): NAGNPRDMRR[Phe211Leu]QVVVSTTVNV